The following is an entry in ClinVar:

ClinVar aggregate classification (germline): Uncertain significance (1 of 4 stars; one submission).

Conditions:
Hereditary cancer-predisposing syndrome. Also called: Neoplastic Syndromes, Hereditary; Tumor predisposition; Hereditary Cancer Syndrome; Hereditary neoplastic syndrome. Identifiers: Orphanet 140162, MedGen C0027672, MeSH D009386, MONDO:0015356.

Submission:

Ambry Genetics
Classification: Uncertain significance for Hereditary cancer-predisposing syndrome. Last evaluated: 2025-12-18. Review status: criteria provided, single submitter. Criteria: Ambry Variant Classification Scheme 2023. Collection method: clinical testing. Allele origin: germline.
Comment: The p.E1888* variant (also known as c.5662G>T), located in coding exon 41 of the POLE gene, results from a G to T substitution at nucleotide position 5662. This changes the amino acid from a glutamic acid to a stop codon within coding exon 41. This alteration is expected to result in loss of function by premature protein truncation or nonsense-mediated mRNA decay. Although biallelic loss of function of POLE has been associated with autosomal recessive POLE deficiency, haploinsufficiency of POLE has not been established as a mechanism of disease for POLE-related polymerase proofreading-associated polyposis (PPAP) and POLE-related CMMRD-like syndrome. Based on the supporting evidence, this variant is expected to be causative of POLE deficiency when present along with a second pathogenic variant on the other allele; however, its clinical significance for PPAP and POLE-related CMMRD-like syndrome is unclear.

NM_006231.4(POLE):c.5662G>T (p.Glu1888Ter)

Gene: POLE (DNA polymerase epsilon, catalytic subunit; minus strand). Cytogenetic location: 12q24.33.
Variant type: single nucleotide variant.
Coding change: c.5662G>T on transcript NM_006231.4 (MANE Select); coding-DNA position 5662, G replaced by T.
Protein change: p.Glu1888Ter; replaces glutamic acid 1888 with a stop codon.
Molecular consequence: nonsense.
Genome position (GRCh38, 1-based): chr12:132,638,030, C>A on the plus strand (G>T on the coding strand, the complement: POLE is on the minus strand). VCF-style: chr12-132638030-C-A. GRCh37 (hg19) VCF-style: chr12-133214616-C-A.
Other names: short protein forms E1888*.
Identifiers: ClinVar variation 4841492 (VCV004841492.1).